The following is an entry in ClinVar:

NM_172201.2(KCNE2):c.-13+5G>A

Genes: KCNE2 (potassium voltage-gated channel subfamily E regulatory subunit 2; plus strand), LOC105372791 (uncharacterized LOC105372791; minus strand). Cytogenetic location: 21q22.11.
Variant type: single nucleotide variant.
Coding change: c.-13+5G>A on transcript NM_172201.2 (MANE Select); 5 bases into the intron after 13 bases upstream of the start codon, G replaced by A.
Molecular consequence: intron variant.
Genome position (GRCh38, 1-based): chr21:34,364,156, G>A. VCF-style: chr21-34364156-G-A. GRCh37 (hg19) VCF-style: chr21-35736455-G-A.
Identifiers: ClinVar variation 190793 (VCV000190793.15), dbSNP rs786205806, ClinGen allele CA301981.
Genomic context (GRCh38, chr21:34,364,156, plus strand): 5'-GGTTCAGAACAGCCTGGCTTTGGAAAGGAATTTCATCCTGCCCACACACTGCATAGGTAA[G>A]TCTTAGCACACATTCTTTATTTTTTGAGGAATTAAGTAACAAAGTTATCTATGTGCCTTT-3'

ClinVar aggregate classification (germline): Uncertain significance. Review status: criteria provided, multiple submitters, no conflicts (2 of 4 stars). 7 submissions from 6 submitters: Uncertain significance (7). Last evaluated 2025-10-03.

Conditions:
Long QT syndrome 6 (LQT6). Identifiers: Orphanet 101016, Orphanet 768, MedGen C3150953, MONDO:0013370, OMIM 613693.
Atrial fibrillation, familial, 4 (ATFB4). Identifiers: MedGen C1862394, MONDO:0012677, OMIM 611493.

Allele frequency attached by ClinVar (database versions not stated): gnomAD 0.00041 and 0.00043; TOPMed 0.00046.

Submissions (7):

GeneDx
Classification: Uncertain significance. Last evaluated: 2025-10-03. Review status: criteria provided, single submitter. Criteria: GeneDx Variant Classification Process June 2021. Collection method: clinical testing. Allele origin: germline. Affected: yes.
Comment: Reported in a patient with LQTS and syncope who also harbored F805C in KCNH2; an unaffected first degree relative harbored the KCNE2 variant but not the KCNH2 variant (PMID: 28794082); Reported in patient with LQTS in published literature and referred for genetic testing at GeneDx; however, many of these individuals harbored additional cardiogenetic variants (PMID: 23631430); In silico analysis suggests that this variant does not alter splicing; This variant is associated with the following publications: (PMID: 28794082, 23631430)

Labcorp Genetics (formerly Invitae), Labcorp
Classification: Uncertain significance for Long QT syndrome 6. Last evaluated: 2022-07-25. Review status: criteria provided, single submitter. Criteria: Invitae Variant Classification Sherloc (09022015). Collection method: clinical testing. Allele origin: germline.
Comment: This variant occurs in a non-coding region of the KCNE2 gene. It does not change the encoded amino acid sequence of the KCNE2 protein. This variant is present in population databases (rs786205806, gnomAD 1.0%). This variant has been observed in individual(s) with long QT syndrome (PMID: 23631430). ClinVar contains an entry for this variant (Variation ID: 190793). Experimental studies and prediction algorithms are not available or were not evaluated, and the functional significance of this variant is currently unknown. Algorithms developed to predict the effect of sequence changes on RNA splicing suggest that this variant is not likely to affect RNA splicing. In summary, the available evidence is currently insufficient to determine the role of this variant in disease. Therefore, it has been classified as a Variant of Uncertain Significance.

ARUP Laboratories, Molecular Genetics and Genomics, ARUP Laboratories
Classification: Uncertain significance. Last evaluated: 2022-06-28. Review status: criteria provided, single submitter. Criteria: ARUP Molecular Germline Variant Investigation Process 2021. Collection method: clinical testing. Allele origin: germline.
Comment: The KCNE2 c.-13+5G>A variant (rs786205806) is reported in the literature in individuals affected with long QT syndrome (Lieve 2013), but at least one individual has another molecular explanation for disease (Roberts 2017). This variant is also reported in ClinVar (Variation ID: 190793), and is found in the general population with an allele frequency of 0.013% (4/31398 alleles) in the Genome Aggregation Database. This is an intronic variant in a moderately conserved nucleotide, and computational analyses (Alamut v.2.11) predict that this variant may impact splicing weakening the nearby canonical donor splice site. However, this splice site is in a non-coding exon, and variants affecting splicing in KCNE2 have not been reported in association with disease. Thus, without functional studies the effect on splicing is unknown. Due to limited information, the clinical significance of this variant is uncertain at this time. References: Lieve KV et al. Results of genetic testing in 855 consecutive unrelated patients referred for long QT syndrome in a clinical laboratory. Genet Test Mol Biomarkers. 2013 Jul;17(7):553-61. PMID: 23631430. Roberts JD et al. Loss-of-Function KCNE2 Variants: True Monogenic Culprits of Long-QT Syndrome or Proarrhythmic Variants Requiring Secondary Provocation? Circ Arrhythm Electrophysiol. 2017 Aug;10(8):e005282. PMID: 28794082.

Fulgent Genetics
Classification: Uncertain significance for Atrial fibrillation, familial, 4; Long QT syndrome 6. Last evaluated: 2021-08-20. Review status: criteria provided, single submitter. Criteria: ACMG Guidelines, 2015. Collection method: clinical testing. Allele origin: unknown.

Illumina Laboratory Services, Illumina
Classification: Uncertain significance for Long QT syndrome 6. Last evaluated: 2017-04-27. Review status: criteria provided, single submitter. Criteria: ICSL Variant Classification Criteria 13 December 2019. Collection method: clinical testing. Allele origin: germline.
Comment: This variant was observed as part of a predisposition screen in an ostensibly healthy population. A literature search was performed for the gene, cDNA change, and amino acid change (where applicable). Publications were found based on this search. However, the evidence from the literature, in combination with allele frequency data from public databases where available, was not sufficient to rule this variant in or out of causing disease. Therefore, this variant is classified as a variant of unknown significance.

Illumina Laboratory Services, Illumina
Classification: Uncertain significance for Atrial fibrillation, familial, 4. Last evaluated: 2017-04-27. Review status: criteria provided, single submitter. Criteria: ICSL Variant Classification Criteria 13 December 2019. Collection method: clinical testing. Allele origin: germline.

Stanford Center for Inherited Cardiovascular Disease, Stanford University
Classification: Uncertain significance. Last evaluated: 2014-09-04. Review status: criteria provided, single submitter. Criteria: ACMG Guidelines, 2015. Collection method: provider interpretation. Allele origin: germline.

Literature cited by the submitters: PubMed 23631430 (cited by Labcorp Genetics (formerly Invitae), Labcorp and Illumina Laboratory Services, Illumina).